The following is an entry in ClinVar:

NM_152618.3(BBS12):c.1402G>A (p.Gly468Arg)

Gene: BBS12 (Bardet-Biedl syndrome 12; plus strand). Cytogenetic location: 4q27.
Variant type: single nucleotide variant.
Coding change: c.1402G>A on transcript NM_152618.3 (MANE Select); coding-DNA position 1402, G replaced by A.
Protein change: p.Gly468Arg; replaces glycine 468 with arginine.
Molecular consequence: missense variant.
Genome position (GRCh38, 1-based): chr4:122,743,294, G>A. VCF-style: chr4-122743294-G-A. GRCh37 (hg19) VCF-style: chr4-123664449-G-A.
Other names: c.1402G>A, p.Gly468Arg (NM_001178007.2); short protein forms G468R.
Identifiers: ClinVar variation 965476 (VCV000965476.6), dbSNP rs144910481, ClinGen allele CA3069441.

ClinVar aggregate classification (germline): Uncertain significance. Review status: criteria provided, multiple submitters, no conflicts (2 of 4 stars). 5 submissions from 5 submitters: Uncertain significance (4). 1 of the submissions does not count toward it. Last evaluated 2026-08-17.

Conditions:
Bardet-Biedl syndrome (BBS). Identifiers: Orphanet 110, MedGen C0752166, MONDO:0015229.
BBS12-related disorder. Also called: BBS12-related condition.
Bardet-Biedl syndrome 12 (BBS12). Identifiers: Orphanet 110, MedGen C1859570, MONDO:0014440, OMIM 615989.

Allele frequency attached by ClinVar (database versions not stated): ExAC 0.00001; gnomAD 0.00001; gnomAD exomes 0.00001; TOPMed 0.00002; ESP Exome Variant Server 0.00008.
gnomAD v4.1: 13 of 1,614,074 alleles (0.00081%); highest among the groups gnomAD compares: African/African-American, 0.011%; no homozygotes.

Submissions (5):

PreventionGenetics, part of Exact Sciences
Classification: Uncertain significance for BBS12-related condition. Last evaluated: 2026-08-17. Review status: criteria provided, single submitter. Criteria: ACMG Guidelines, 2015. Collection method: clinical testing. Allele origin: germline.
Comment: The BBS12 c.1402G>A variant is predicted to result in the amino acid substitution p.Gly468Arg. To our knowledge, this variant has not been reported in the literature. This variant is reported in 0.012% of alleles in individuals of African descent in gnomAD. At this time, the clinical significance of this variant is uncertain due to the absence of conclusive functional and genetic evidence.

Labcorp Genetics (formerly Invitae), Labcorp
Classification: Uncertain significance for Bardet-Biedl syndrome. Last evaluated: 2022-06-19. Review status: criteria provided, single submitter. Criteria: Invitae Variant Classification Sherloc (09022015). Collection method: clinical testing. Allele origin: germline.
Comment: This sequence change replaces glycine, which is neutral and non-polar, with arginine, which is basic and polar, at codon 468 of the BBS12 protein (p.Gly468Arg). This variant is present in population databases (rs144910481, gnomAD 0.008%). This variant has not been reported in the literature in individuals affected with BBS12-related conditions. ClinVar contains an entry for this variant (Variation ID: 965476). Algorithms developed to predict the effect of missense changes on protein structure and function are either unavailable or do not agree on the potential impact of this missense change (SIFT: "Deleterious"; PolyPhen-2: "Probably Damaging"; Align-GVGD: "Class C0"). Algorithms developed to predict the effect of sequence changes on RNA splicing suggest that this variant may create or strengthen a splice site. In summary, the available evidence is currently insufficient to determine the role of this variant in disease. Therefore, it has been classified as a Variant of Uncertain Significance.

Blueprint Genetics
Classification: Uncertain significance. Last evaluated: 2019-09-13. Review status: criteria provided, single submitter. Criteria: ACMG Guidelines, 2015. Collection method: clinical testing. Allele origin: germline.

Breakthrough Genomics
Classification: Uncertain significance. Review status: criteria provided, single submitter. Criteria: ACMG Guidelines, 2015. Collection method: not provided. Allele origin: germline. Inheritance: Autosomal recessive inheritance. Affected: yes.

Natera, Inc.
Classification: Uncertain significance for Bardet-Biedl syndrome type 12. Last evaluated: 2020-05-22. Review status: no assertion criteria provided. Collection method: clinical testing. Allele origin: germline. Not counted in ClinVar's aggregate classification.